The following is an entry in ClinVar:

ClinVar aggregate classification (germline): Conflicting classifications of pathogenicity. Review status: criteria provided, conflicting classifications (1 of 4 stars). 5 submissions from 5 submitters: Pathogenic (1); Uncertain significance (4). Last evaluated 2025-09-23.
ClinVar aggregate classification (oncogenicity): Uncertain significance (1 of 4 stars; one submission).

Conditions:
Neurofibromatosis, type 1 (NF1). Also called: NEUROFIBROMATOSIS, TYPE I, SOMATIC; Peripheral type neurofibromatosis; Neurofibromatosis, type I; VON RECKLINGHAUSEN DISEASE. Identifiers: Orphanet 636, MedGen C0027831, MONDO:0018975, OMIM 162200. Disease mechanism: loss of function.
Café-au-lait macules with pulmonary stenosis (WTSN). Also called: PULMONIC STENOSIS WITH CAFE-AU-LAIT SPOTS. Identifiers: MedGen C0553586, MONDO:0008672, OMIM 193520.
Hereditary cancer-predisposing syndrome. Also called: Hereditary neoplastic syndrome; Neoplastic Syndromes, Hereditary; Tumor predisposition; Hereditary Cancer Syndrome. Identifiers: Orphanet 140162, MedGen C0027672, MeSH D009386, MONDO:0015356.
Cardiovascular phenotype. Identifiers: MedGen CN230736.
Neoplasm. Also called: Neoplasms; Neoplasm (disease); tumor. Identifiers: MedGen C0027651, MeSH D009369, MONDO:0005070, HP:0002664.

Allele frequency attached by ClinVar (database versions not stated): gnomAD 0.00001.
gnomAD v4.1: 1 of 1,604,778 alleles (0.000062%); highest among the groups gnomAD compares: Non-Finnish European, 0.000085%; no homozygotes.

Submissions (6):

Center for Genomic Medicine, Rigshospitalet, Copenhagen University Hospital
Classification: Uncertain significance for Neoplasm. Last evaluated: 2025-12-29. Review status: criteria provided, single submitter. Criteria: ClinGen/CGC/VICC Guidelines for Oncogenicity, 2022. Collection method: clinical testing. Allele origin: somatic. Affected: yes.

3billion
Classification: Uncertain significance for Neurofibromatosis, type 1. Last evaluated: 2025-09-23. Review status: criteria provided, single submitter. Criteria: ACMG Guidelines, 2015. Collection method: clinical testing. Allele origin: germline. Affected: yes.
Comment: The variant is observed at an extremely low frequency in the gnomAD v4.1.0 dataset (total allele frequency: <0.001%). Predicted Consequence/Location: Missense variant In silico tool predictions suggest damaging effect of the variant on gene or gene product [REVEL: 0.60 (>=0.6, sensitivity 0.68 and specificity 0.92); 3Cnet: 0.89 (> 0.75, sensitivity 0.96 and precision 0.92)]. The same nucleotide change resulting in the same amino acid change has been previously reported to be associated with NF1-related disorder (ClinVar ID: VCV001029751). Different missense changes at the same codon (p.His1460Arg, p.His1460Pro) have been reported to be associated with NF1-related disorder (ClinVar ID: VCV003722674 /PMID: 23668869, 27716896). However the evidence of pathogenicity is insufficient at this time. Therefore, this variant is classified as VUS according to the recommendation of ACMG/AMP guideline.

Ambry Genetics
Classification: Uncertain significance for Cardiovascular phenotype; Hereditary cancer-predisposing syndrome. Last evaluated: 2024-02-01. Review status: criteria provided, single submitter. Criteria: Ambry Variant Classification Scheme 2023. Collection method: clinical testing. Allele origin: germline.
Comment: The p.H1439D variant (also known as c.4315C>G), located in coding exon 32 of the NF1 gene, results from a C to G substitution at nucleotide position 4315. The histidine at codon 1439 is replaced by aspartic acid, an amino acid with similar properties. This amino acid position is conserved. In addition, the in silico prediction for this alteration is inconclusive. Based on the available evidence, the clinical significance of this alteration remains unclear.

Labcorp Genetics (formerly Invitae), Labcorp
Classification: Pathogenic for Neurofibromatosis, type 1. Last evaluated: 2023-02-03. Review status: criteria provided, single submitter. Criteria: Invitae Variant Classification Sherloc (09022015). Collection method: clinical testing. Allele origin: germline.
Comment: This sequence change replaces histidine, which is basic and polar, with aspartic acid, which is acidic and polar, at codon 1439 of the NF1 protein (p.His1439Asp). This variant is not present in population databases (gnomAD no frequency). This missense change has been observed in individual(s) with clinical features of neurofibromatosis, type 1 (Invitae). ClinVar contains an entry for this variant (Variation ID: 1029751). Advanced modeling of protein sequence and biophysical properties (such as structural, functional, and spatial information, amino acid conservation, physicochemical variation, residue mobility, and thermodynamic stability) performed at Invitae indicates that this missense variant is expected to disrupt NF1 protein function. This variant disrupts the p.His1439 amino acid residue in NF1. Other variant(s) that disrupt this residue have been observed in individuals with NF1-related conditions (PMID: 23668869, 27716896), which suggests that this may be a clinically significant amino acid residue. For these reasons, this variant has been classified as Pathogenic.

Baylor Genetics
Classification: Uncertain significance for Café-au-lait macules with pulmonary stenosis. Last evaluated: 2020-11-30. Review status: criteria provided, single submitter. Criteria: ACMG Guidelines, 2015. Collection method: clinical testing. Allele origin: unknown. Affected: yes.
Comment: This variant was determined to be of uncertain significance according to ACMG Guidelines, 2015 [PMID:25741868].

GeneDx
Classification: Uncertain significance. Last evaluated: 2020-07-28. Review status: criteria provided, single submitter. Criteria: GeneDx Variant Classification (06012015). Collection method: clinical testing. Allele origin: germline. Affected: yes.
Comment: In silico analysis supports that this missense variant has a deleterious effect on protein structure/function Has not been previously published as pathogenic or benign to our knowledge Not observed in large population cohorts (Lek 2016)

Literature cited by the submitters: PubMed 23668869 (cited by 3 submitters); PubMed 27716896 (cited by Center for Genomic Medicine, Rigshospitalet, Copenhagen University Hospital and Labcorp Genetics (formerly Invitae), Labcorp).

NM_001042492.3(NF1):c.4378C>G (p.His1460Asp)

Gene: NF1 (neurofibromin 1; plus strand). Cytogenetic location: 17q11.2.
Variant type: single nucleotide variant.
Coding change: c.4378C>G on transcript NM_001042492.3 (MANE Select); coding-DNA position 4378, C replaced by G.
Protein change: p.His1460Asp; replaces histidine 1460 with aspartic acid.
Molecular consequence: missense variant.
Genome position (GRCh38, 1-based): chr17:31,259,077, C>G. VCF-style: chr17-31259077-C-G. GRCh37 (hg19) VCF-style: chr17-29586095-C-G.
Other names: c.4315C>G, p.His1439Asp (NM_000267.4); short protein forms H1439D, H1460D.
Identifiers: ClinVar variation 1029751 (VCV001029751.8), dbSNP rs377295676, ClinGen allele CA398998835.